The following is an entry in ClinVar:

ClinVar aggregate classification (germline): Pathogenic (1 of 4 stars; one submission).

Conditions:
Hereditary hemorrhagic telangiectasia (HHT). Also called: ORW DISEASE; Osler Weber Rendu syndrome; OSLER-RENDU-WEBER DISEASE; Osler hemorrhagic telangiectasia syndrome. Identifiers: Orphanet 774, MedGen C0039445, MONDO:0019180. Disease mechanism: loss of function.

Submission:

Labcorp Genetics (formerly Invitae), Labcorp
Classification: Pathogenic for Hereditary hemorrhagic telangiectasia. Last evaluated: 2024-02-14. Review status: criteria provided, single submitter. Criteria: Invitae Variant Classification Sherloc (09022015). Collection method: clinical testing. Allele origin: germline.
Comment: This sequence change creates a premature translational stop signal (p.Gly74Profs*76) in the ENG gene. It is expected to result in an absent or disrupted protein product. Loss-of-function variants in ENG are known to be pathogenic (PMID: 15879500). This variant is not present in population databases (gnomAD no frequency). This variant has not been reported in the literature in individuals affected with ENG-related conditions. ClinVar contains an entry for this variant (Variation ID: 2032528). For these reasons, this variant has been classified as Pathogenic.

Literature cited by the submitters: PubMed 15879500.

NM_001114753.3(ENG):c.218_219insTCCA (p.Gly74fs)

Gene: ENG (endoglin; minus strand). Cytogenetic location: 9q34.11.
Variant type: Insertion.
Coding change: c.218_219insTCCA on transcript NM_001114753.3 (MANE Select); coding-DNA positions 218 to 219, TCCA inserted.
Protein change: p.Gly74fs; shifts the reading frame from glycine 74.
Molecular consequence: frameshift variant. On other transcripts: 5 prime UTR variant (1).
Genome position: GRCh38 VCF-style: chr9-127843094-C-CTGGA. GRCh37 (hg19) VCF-style: chr9-130605373-C-CTGGA.
Other names: c.218_219insTCCA, p.Gly74Profs (NM_000118.4, NM_001406715.1); c.-329_-328insTCCA (NM_001278138.2); short protein forms G74fs.
Identifiers: ClinVar variation 2032528 (VCV002032528.4), dbSNP rs2539107064, ClinGen allele CA2580079603.